The following is an entry in ClinVar:

ClinVar aggregate classification (germline): Pathogenic. Review status: criteria provided, multiple submitters, no conflicts (2 of 4 stars). 2 submissions from 2 submitters: Pathogenic (2). Last evaluated 2025-03-16.

Conditions:
Birt-Hogg-Dube syndrome. Also called: Birt Hogg Dubé syndrome. Identifiers: Orphanet 122, MedGen C0346010, MONDO:0800444.

Submissions (2):

Labcorp Genetics (formerly Invitae), Labcorp
Classification: Pathogenic for Birt-Hogg-Dube syndrome. Last evaluated: 2025-03-16. Review status: criteria provided, single submitter. Criteria: Invitae Variant Classification Sherloc (09022015). Collection method: clinical testing. Allele origin: germline.
Comment: This sequence change creates a premature translational stop signal (p.Asp160Glufs*41) in the FLCN gene. It is expected to result in an absent or disrupted protein product. Loss-of-function variants in FLCN are known to be pathogenic (PMID: 15852235). This variant is not present in population databases (gnomAD no frequency). This variant has not been reported in the literature in individuals affected with FLCN-related conditions. ClinVar contains an entry for this variant (Variation ID: 1361582). For these reasons, this variant has been classified as Pathogenic.

Myriad Genetics, Inc.
Classification: Pathogenic for Birt-Hogg-Dube syndrome 1. Last evaluated: 2023-01-11. Review status: criteria provided, single submitter. Criteria: Myriad Autosomal Dominant, Autosomal Recessive and X-Linked Classification Criteria (2023). Collection method: clinical testing. Allele origin: unknown.
Comment: This variant is considered pathogenic. This variant creates a frameshift predicted to result in premature protein truncation.

Literature cited by the submitters: PubMed 15852235 (cited by Labcorp Genetics (formerly Invitae), Labcorp).

NM_144997.7(FLCN):c.476_479dup (p.Asp160fs)

Gene: FLCN (folliculin; minus strand). Cytogenetic location: 17p11.2.
Variant type: Duplication.
Coding change: c.476_479dup on transcript NM_144997.7 (MANE Select); coding-DNA positions 476 to 479, 4 bases duplicated (AGGA; older notation c.476_479dupAGGA).
Protein change: p.Asp160fs; shifts the reading frame from aspartic acid 160.
Molecular consequence: frameshift variant.
Genome position (GRCh38, 1-based): chr17:17,224,061-17,224,064, TCCT duplicated on the plus strand (AGGA on the coding strand, the reverse complement: FLCN is on the minus strand); duplicating any 4 consecutive bases within chr17:17,224,061-17,224,065 gives the same sequence; the c. name uses the placement nearest the transcript's 3' end. VCF-style (leftmost placement, unchanged base first): chr17-17224060-G-GTCCT. GRCh37 (hg19) VCF-style: chr17-17127374-G-GTCCT.
Other names: c.530_533dup, p.Asp178fs (NM_001353229.2); c.476_479dup, p.Asp160fs (NM_001353230.2, NM_001353231.2, NM_144606.7); short protein forms D178fs, D160fs.
Identifiers: ClinVar variation 1361582 (VCV001361582.6), dbSNP rs2144979340, ClinGen allele CA1139771093.